The following is an entry in ClinVar:

NM_005445.4(SMC3):c.255A>G (p.Ser85=)

Gene: SMC3 (structural maintenance of chromosomes 3; plus strand). Cytogenetic location: 10q25.2.
Variant type: single nucleotide variant.
Coding change: c.255A>G on transcript NM_005445.4 (MANE Select); coding-DNA position 255, A replaced by G.
Protein change: p.Ser85=; no amino-acid change (serine 85 retained).
Molecular consequence: synonymous variant.
Genome position (GRCh38, 1-based): chr10:110,577,477, A>G. VCF-style: chr10-110577477-A-G. GRCh37 (hg19) VCF-style: chr10-112337235-A-G.
Identifiers: ClinVar variation 159980 (VCV000159980.55), dbSNP rs146433240, ClinGen allele CA203074.
Genomic context (GRCh38, chr10:110,577,477, plus strand): 5'-TTAGGAAGGTACTGGTCCTCGTGTTATTTCTGCTTTTGTGGAGATTATTTTTGATAATTC[A>G]GACAACCGGTTACCAGTAAGTAACTTTTTTTTTAAAGTAATGTTGAGAATTTAATTGGTT-3'
Protein context (NP_005436.1, residues 75-95): SAFVEIIFDN[Ser85=]DNRLPIDKEE

ClinVar aggregate classification (germline): Conflicting classifications of pathogenicity. Review status: criteria provided, conflicting classifications (1 of 4 stars). 10 submissions from 10 submitters: Uncertain significance (1); Benign (5); Likely benign (4). Last evaluated 2026-09-01.

Conditions:
Inborn genetic diseases. Identifiers: MedGen C0950123, MeSH D030342.
Cornelia de Lange syndrome 3 (CDLS3). Also called: CORNELIA DE LANGE SYNDROME 3 WITH OR WITHOUT MIDLINE BRAIN DEFECTS; SMC3-Related Cornelia de Lange Syndrome. Identifiers: Orphanet 199, MedGen C1853099, MONDO:0012555, OMIM 610759.

Allele frequency attached by ClinVar (database versions not stated): 1000 Genomes Project 0.00160; 1000 Genomes Project 30x 0.00172; gnomAD 0.00287; ESP Exome Variant Server 0.00415.
gnomAD v4.1: 8,137 of 1,610,920 alleles (0.51%); highest among the groups gnomAD compares: Middle Eastern, 0.83%; 35 homozygotes.

Submissions (10):

CeGaT Center for Human Genetics Tuebingen
Classification: Benign. Last evaluated: 2026-09-01. Review status: criteria provided, single submitter. Criteria: CeGaT Center For Human Genetics Tuebingen Variant Classification Criteria Version 2. Collection method: clinical testing. Allele origin: germline. Affected: yes. Observed: 23 variant alleles.
Comment: SMC3: BP4, BP7, BS1, BS2

Labcorp Genetics (formerly Invitae), Labcorp
Classification: Benign for Cornelia de Lange syndrome 3. Last evaluated: 2026-01-28. Review status: criteria provided, single submitter. Criteria: Invitae Variant Classification Sherloc (09022015). Collection method: clinical testing. Allele origin: germline.

Blueprint Genetics
Classification: Likely benign. Last evaluated: 2024-11-19. Review status: criteria provided, single submitter. Criteria: ACMG Guidelines, 2015. Collection method: clinical testing. Allele origin: germline.

Athena Diagnostics
Classification: Benign. Last evaluated: 2024-04-08. Review status: criteria provided, single submitter. Criteria: Athena Diagnostics Criteria. Collection method: clinical testing. Allele origin: unknown.

GeneDx
Classification: Likely benign. Last evaluated: 2021-09-01. Review status: criteria provided, single submitter. Criteria: GeneDx Variant Classification Process June 2021. Collection method: clinical testing. Allele origin: germline. Affected: yes.

Illumina Laboratory Services, Illumina
Classification: Benign for Cornelia de Lange syndrome 3. Last evaluated: 2018-01-13. Review status: criteria provided, single submitter. Criteria: ICSL Variant Classification Criteria 13 December 2019. Collection method: clinical testing. Allele origin: germline.
Comment: This variant was observed in the ICSL laboratory as part of a predisposition screen in an ostensibly healthy population. It had not been previously curated by ICSL or reported in the Human Gene Mutation Database (HGMD: prior to June 1st, 2018), and was therefore a candidate for classification through an automated scoring system. Utilizing variant allele frequency, disease prevalence and penetrance estimates, and inheritance mode, an automated score was calculated to assess if this variant is too frequent to cause the disease. Based on the score and internal cut-off values, a variant classified as benign is not then subjected to further curation. The score for this variant resulted in a classification of benign for this disease.

Ambry Genetics
Classification: Likely benign for Inborn genetic diseases. Last evaluated: 2016-04-08. Review status: criteria provided, single submitter. Criteria: Ambry Variant Classification Scheme 2023. Collection method: clinical testing. Allele origin: germline.

Eurofins Ntd Llc (ga)
Classification: Benign. Last evaluated: 2015-02-17. Review status: criteria provided, single submitter. Criteria: EGL Classification Definitions 2015. Collection method: clinical testing. Allele origin: germline. Observed: 1 variant allele, 1 heterozygote.

Genetic Services Laboratory, University of Chicago
Classification: Uncertain significance for Cornelia de Lange syndrome 3. Last evaluated: 2013-02-08. Review status: criteria provided, single submitter. Criteria: ACMG Guidelines, 2007. Collection method: clinical testing. Allele origin: germline. Inheritance: Autosomal dominant inheritance.

PreventionGenetics, part of Exact Sciences
Classification: Likely benign. Review status: criteria provided, single submitter. Criteria: ACMG Guidelines, 2015. Collection method: clinical testing. Allele origin: germline.